The following is an entry in ClinVar:

ClinVar aggregate classification (germline): Conflicting classifications of pathogenicity. Review status: criteria provided, conflicting classifications (1 of 4 stars). 7 submissions from 7 submitters: Uncertain significance (6); Likely benign (1). Last evaluated 2026-04-07.

Conditions:
IMAGe syndrome. Also called: Intrauterine Growth Restriction, Metaphyseal Dysplasia, Adrenal Hypoplasia Congenita, and Genital Anomalies; Intrauterine growth retardation, metaphyseal dysplasia, adrenal hypoplasia congenita, and genital anomalies. Identifiers: Orphanet 85173, MedGen C1846009, MONDO:0013873, OMIM 614732.
Beckwith-Wiedemann syndrome (BWS). Also called: Exomphalos macroglossia gigantism syndrome; EMG SYNDROME. Identifiers: Orphanet 116, MedGen C0004903, MONDO:0007534, OMIM 130650.
CDKN1C-related disorder. Also called: CDKN1C-related condition.
Inborn genetic diseases. Identifiers: MedGen C0950123, MeSH D030342.

Allele frequency attached by ClinVar (database versions not stated): TOPMed below 0.00001; ExAC 0.00001; gnomAD exomes 0.00005.

Submissions (7):

PreventionGenetics, part of Exact Sciences
Classification: Uncertain significance for CDKN1C-related condition. Last evaluated: 2026-04-07. Review status: criteria provided, single submitter. Criteria: ACMG Guidelines, 2015. Collection method: clinical testing. Allele origin: germline.
Comment: The CDKN1C c.752C>T variant is predicted to result in the amino acid substitution p.Ala251Val. To our knowledge, this variant has not been reported in the literature. This variant is reported in 0.014% of alleles in individuals of African descent in gnomAD. At this time, the clinical significance of this variant is uncertain due to the absence of conclusive functional and genetic evidence.

Labcorp Genetics (formerly Invitae), Labcorp
Classification: Uncertain significance for Beckwith-Wiedemann syndrome. Last evaluated: 2025-05-12. Review status: criteria provided, single submitter. Criteria: Invitae Variant Classification Sherloc (09022015). Collection method: clinical testing. Allele origin: germline.
Comment: This sequence change replaces alanine, which is neutral and non-polar, with valine, which is neutral and non-polar, at codon 251 of the CDKN1C protein (p.Ala251Val). The frequency data for this variant in the population databases is considered unreliable, as metrics indicate poor data quality at this position in the gnomAD database. This variant has not been reported in the literature in individuals affected with CDKN1C-related conditions. ClinVar contains an entry for this variant (Variation ID: 575298). Invitae Evidence Modeling of protein sequence and biophysical properties (such as structural, functional, and spatial information, amino acid conservation, physicochemical variation, residue mobility, and thermodynamic stability) indicates that this missense variant is not expected to disrupt CDKN1C protein function with a negative predictive value of 80%. In summary, the available evidence is currently insufficient to determine the role of this variant in disease. Therefore, it has been classified as a Variant of Uncertain Significance.

Fulgent Genetics
Classification: Likely benign for Beckwith-Wiedemann syndrome; IMAGe syndrome. Last evaluated: 2024-04-17. Review status: criteria provided, single submitter. Criteria: ACMG Guidelines, 2015. Collection method: clinical testing. Allele origin: germline.

Revvity Omics, Revvity
Classification: Uncertain significance. Last evaluated: 2024-02-13. Review status: criteria provided, single submitter. Criteria: ACMG Guidelines, 2015. Collection method: clinical testing. Allele origin: germline.

Baylor Genetics
Classification: Uncertain significance for Beckwith-Wiedemann syndrome. Last evaluated: 2023-10-25. Review status: criteria provided, single submitter. Criteria: ACMG Guidelines, 2015. Collection method: clinical testing. Allele origin: unknown.

Ambry Genetics
Classification: Uncertain significance for Inborn genetic diseases. Last evaluated: 2021-07-16. Review status: criteria provided, single submitter. Criteria: Ambry Variant Classification Scheme 2023. Collection method: clinical testing. Allele origin: germline.

Breakthrough Genomics
Classification: Uncertain significance. Review status: criteria provided, single submitter. Criteria: ACMG Guidelines, 2015. Collection method: not provided. Allele origin: germline. Inheritance: Autosomal dominant inheritance. Affected: yes.

NM_001122630.2(CDKN1C):c.719C>T (p.Ala240Val)

Gene: CDKN1C (cyclin dependent kinase inhibitor 1C; minus strand). Cytogenetic location: 11p15.4.
Variant type: single nucleotide variant.
Coding change: c.719C>T on transcript NM_001122630.2 (MANE Select); coding-DNA position 719, C replaced by T.
Protein change: p.Ala240Val; replaces alanine 240 with valine.
Molecular consequence: missense variant. On other transcripts: intron variant (1).
Genome position (GRCh38, 1-based): chr11:2,884,738, G>A on the plus strand (C>T on the coding strand, the complement: CDKN1C is on the minus strand). VCF-style: chr11-2884738-G-A. GRCh37 (hg19) VCF-style: chr11-2905968-G-A.
Other names: c.752C>T, p.Ala251Val (LRG_533t1, NM_000076.2, NM_001362474.2); c.719C>T, p.Ala240Val (NM_001122631.2); c.255+464C>T (NM_001362475.2); short protein forms A251V, A240V.
Identifiers: ClinVar variation 575298 (VCV000575298.17), dbSNP rs765542916, ClinGen allele CA5822180.
Genomic context (GRCh38, chr11:2,884,738, plus strand): 5'-AGAGGCCCGGACAGCTTCTTGATCGCCGCGCCGTTGGCGCTGGCGGCCGCGGTGCCGGCC[G>A]CGGGACGTCCCGAAATCCCCGAGTGCAGCTGGTCAGCGAGAGGCTCCTGGCCGCGCTGCC-3'
Protein context (NP_001116102.1, residues 230-250): QLHSGISGRP[Ala240Val]AGTAAASANG